The following is an entry in ClinVar:

ClinVar aggregate classification (germline): Pathogenic/Likely pathogenic. Review status: criteria provided, multiple submitters, no conflicts (2 of 4 stars). 3 submissions from 3 submitters: Pathogenic (1); Likely pathogenic (1). 1 of the submissions does not count toward it. Last evaluated 2025-04-28.

Conditions:
Familial thoracic aortic aneurysm and aortic dissection (TAAD). Also called: Thoracic aortic aneurysms and dissections. Identifiers: Orphanet 91387, MedGen C4707243, MONDO:0019625.
Marfan syndrome (MFS). Also called: Marfan syndrome type 1; Marfan syndrome, classic; Marfan's syndrome; FBN1-Related Marfan Syndrome; MARFAN SYNDROME, TYPE I. Identifiers: Orphanet 284963, Orphanet 558, MedGen C0024796, MONDO:0007947, OMIM 154700.

Submissions (3):

Labcorp Genetics (formerly Invitae), Labcorp
Classification: Pathogenic for Marfan syndrome; Familial thoracic aortic aneurysm and aortic dissection. Last evaluated: 2025-04-28. Review status: criteria provided, single submitter. Criteria: Invitae Variant Classification Sherloc (09022015). Collection method: clinical testing. Allele origin: germline.
Comment: This sequence change replaces leucine, which is neutral and non-polar, with arginine, which is basic and polar, at codon 11 of the FBN1 protein (p.Leu11Arg). This variant is not present in population databases (gnomAD no frequency). This missense change has been observed in individuals with clinical features of Marfan syndrome (PMID: 21542060, 29907982, 35058154; internal data). ClinVar contains an entry for this variant (Variation ID: 549153). Invitae Evidence Modeling of protein sequence and biophysical properties (such as structural, functional, and spatial information, amino acid conservation, physicochemical variation, residue mobility, and thermodynamic stability) indicates that this missense variant is expected to disrupt FBN1 protein function with a positive predictive value of 80%. This variant disrupts the p.Leu11 amino acid residue in FBN1. Other variant(s) that disrupt this residue have been observed in individuals with FBN1-related conditions (internal data), which suggests that this may be a clinically significant amino acid residue. For these reasons, this variant has been classified as Pathogenic.

Centre of Medical Genetics, University of Antwerp
Classification: Likely pathogenic for Marfan syndrome. Last evaluated: 2021-03-01. Review status: criteria provided, single submitter. Criteria: Submitter's publication. Collection method: research. Allele origin: unknown. Affected: yes.
Comment: PM2, PS1, PP4

Center for Medical Genetics Ghent, University of Ghent
Classification: Uncertain significance for Marfan syndrome. Last evaluated: 2017-11-07. Review status: no assertion criteria provided. Collection method: clinical testing. Allele origin: germline. Affected: yes. Not counted in ClinVar's aggregate classification.

Literature cited by the submitters: PubMed 21542060 (cited by Labcorp Genetics (formerly Invitae), Labcorp); PubMed 29907982 (cited by Labcorp Genetics (formerly Invitae), Labcorp); PubMed 35058154 (cited by Labcorp Genetics (formerly Invitae), Labcorp).

NM_000138.5(FBN1):c.32T>G (p.Leu11Arg)

Gene: FBN1 (fibrillin 1; minus strand). Cytogenetic location: 15q21.1.
Variant type: single nucleotide variant.
Coding change: c.32T>G on transcript NM_000138.5 (MANE Select); coding-DNA position 32, T replaced by G.
Protein change: p.Leu11Arg; replaces leucine 11 with arginine.
Molecular consequence: missense variant.
Genome position (GRCh38, 1-based): chr15:48,644,738, A>C on the plus strand (T>G on the coding strand, the complement: FBN1 is on the minus strand). VCF-style: chr15-48644738-A-C. GRCh37 (hg19) VCF-style: chr15-48936935-A-C.
Other names: short protein forms L11R.
Identifiers: ClinVar variation 549153 (VCV000549153.23), dbSNP rs1555407429, ClinGen allele CA392453927.